The following is an entry in ClinVar:

ClinVar aggregate classification (germline): Benign. Review status: criteria provided, multiple submitters, no conflicts (2 of 4 stars). 2 submissions from 2 submitters: Benign (2). Last evaluated 2018-06-14.

Allele frequency attached by ClinVar (database versions not stated): gnomAD exomes 0.00407 and 0.00921; ExAC 0.01017; gnomAD 0.02587 and 0.02757; ESP Exome Variant Server 0.02698; TOPMed 0.02933; 1000 Genomes Project 30x 0.03267; 1000 Genomes Project 0.03364.
gnomAD v4.1: 7,308 of 1,156,329 alleles (0.63%); highest among the groups gnomAD compares: African/African-American, 8.8%; 175 homozygotes.

Submissions (2):

GeneDx
Classification: Benign. Last evaluated: 2018-06-14. Review status: criteria provided, single submitter. Criteria: GeneDx Variant Classification (06012015). Collection method: clinical testing. Allele origin: germline. Affected: yes.
Comment: This variant is considered likely benign or benign based on one or more of the following criteria: it is a conservative change, it occurs at a poorly conserved position in the protein, it is predicted to be benign by multiple in silico algorithms, and/or has population frequency not consistent with disease.

Breakthrough Genomics
Classification: Benign. Review status: criteria provided, single submitter. Criteria: ACMG Guidelines, 2015. Collection method: not provided. Allele origin: germline. Inheritance: X-linked inheritance. Affected: yes.

NM_002641.4(PIGA):c.849-23T>C

Gene: PIGA (phosphatidylinositol glycan anchor biosynthesis class A; minus strand). Cytogenetic location: Xp22.2.
Variant type: single nucleotide variant.
Coding change: c.849-23T>C on transcript NM_002641.4 (MANE Select); 23 bases into the intron before coding-DNA position 849, T replaced by C.
Molecular consequence: intron variant.
Genome position (GRCh38, 1-based): chrX:15,325,175, A>G on the plus strand (T>C on the coding strand, the complement: PIGA is on the minus strand). VCF-style: chrX-15325175-A-G. GRCh37 (hg19) VCF-style: chrX-15343297-A-G.
Other names: c.147-23T>C (NM_020473.3).
Identifiers: ClinVar variation 677378 (VCV000677378.2), dbSNP rs191761801, ClinGen allele CA10354110.
Genomic context (GRCh38, chrX:15,325,175, plus strand): 5'-TAACATCCTTGTGTTCTAAAGCTCCCAAAAGACGCACCCTGATTTTTTAAATGAGAGGGG[A>G]AGAAAGGAGTGAAAACTCATGCTACAAAAGAAATTTAATTTATAAACCAAGTCTGCTATT-3'